The following is an entry in ClinVar:

ClinVar aggregate classification (germline): Uncertain significance. Review status: criteria provided, multiple submitters, no conflicts (2 of 4 stars). 9 submissions from 8 submitters: Uncertain significance (8). 1 of the submissions does not count toward it. Last evaluated 2025-06-11.

Conditions:
Retinal dystrophy. Also called: Inherited retinal dystrophy. Identifiers: Orphanet 71862, MedGen C0854723, MeSH D058499, MONDO:0019118, HP:0000556.
USH2A-related disorder. Also called: USH2A-related disorders; USH2A-related condition. Identifiers: MedGen CN239332.
Usher syndrome type 2A. Also called: RETINAL DISEASE IN USHER SYNDROME TYPE IIA, MODIFIER OF; USHER SYNDROME, TYPE IIA. Identifiers: Orphanet 231178, Orphanet 886, MedGen C1848634, MONDO:0010169, OMIM 276901.
Retinitis pigmentosa 39 (RP39). Identifiers: Orphanet 791, MedGen C3151138, MONDO:0013436, OMIM 613809.

Allele frequency attached by ClinVar (database versions not stated): ExAC 0.00003; gnomAD 0.00004; TOPMed 0.00004; gnomAD exomes 0.00005; ESP Exome Variant Server 0.00008.
gnomAD v4.1: 97 of 1,613,896 alleles (0.006%); highest among the groups gnomAD compares: Admixed American, 0.017%; 1 homozygote.

Submissions (9):

PreventionGenetics, part of Exact Sciences
Classification: Uncertain significance for USH2A-related condition. Last evaluated: 2025-06-11. Review status: criteria provided, single submitter. Criteria: ACMG Guidelines, 2015. Collection method: clinical testing. Allele origin: germline.
Comment: The USH2A c.2777G>A variant is predicted to result in the amino acid substitution p.Arg926His. To our knowledge, this variant has not been reported in the literature. This variant is reported in 0.020% of alleles in individuals of Latino descent in gnomAD. At this time, the clinical significance of this variant is uncertain due to the absence of conclusive functional and genetic evidence.

GeneDx
Classification: Uncertain significance. Last evaluated: 2024-10-01. Review status: criteria provided, single submitter. Criteria: GeneDx Variant Classification Process June 2021. Collection method: clinical testing. Allele origin: germline. Affected: yes.
Comment: In silico analysis supports that this missense variant has a deleterious effect on protein structure/function; This variant is associated with the following publications: (PMID: 25078356)

Blueprint Genetics
Classification: Uncertain significance. Last evaluated: 2024-08-19. Review status: criteria provided, single submitter. Criteria: ACMG Guidelines, 2015. Collection method: clinical testing. Allele origin: germline.

Genome-Nilou Lab
Classification: Uncertain significance for Retinitis pigmentosa 39. Last evaluated: 2023-11-04. Review status: criteria provided, single submitter. Criteria: ACMG Guidelines, 2015. Collection method: clinical testing. Allele origin: germline. Affected: no.

Genome-Nilou Lab
Classification: Uncertain significance for Usher syndrome type 2A. Last evaluated: 2023-11-04. Review status: criteria provided, single submitter. Criteria: ACMG Guidelines, 2015. Collection method: clinical testing. Allele origin: germline. Affected: no.

Dept Of Ophthalmology, Nagoya University
Classification: Uncertain significance for Retinal dystrophy. Last evaluated: 2023-10-01. Review status: criteria provided, single submitter. Criteria: Submitter's publication. Collection method: research. Allele origin: germline. Affected: yes.

Labcorp Genetics (formerly Invitae), Labcorp
Classification: Uncertain significance. Last evaluated: 2022-10-13. Review status: criteria provided, single submitter. Criteria: Invitae Variant Classification Sherloc (09022015). Collection method: clinical testing. Allele origin: germline.
Comment: This sequence change replaces arginine, which is basic and polar, with histidine, which is basic and polar, at codon 926 of the USH2A protein (p.Arg926His). This variant is present in population databases (rs146916397, gnomAD 0.02%). This variant has not been reported in the literature in individuals affected with USH2A-related conditions. ClinVar contains an entry for this variant (Variation ID: 48491). Advanced modeling of protein sequence and biophysical properties (such as structural, functional, and spatial information, amino acid conservation, physicochemical variation, residue mobility, and thermodynamic stability) performed at Invitae indicates that this missense variant is not expected to disrupt USH2A protein function. In summary, the available evidence is currently insufficient to determine the role of this variant in disease. Therefore, it has been classified as a Variant of Uncertain Significance.

Laboratory for Molecular Medicine, Mass General Brigham Personalized Medicine
Classification: Uncertain significance. Last evaluated: 2011-09-17. Review status: criteria provided, single submitter. Criteria: LMM Criteria. Collection method: clinical testing. Allele origin: germline. Observed: 1 variant allele.
Comment: Variant classified as Uncertain Significance - Favor Benign. The Arg926His varia nt in USH2A has not been reported in the literature nor previously identified by our laboratory. Computational analyses (biochemical amino acid properties, homo logy, PolyPhen2, SIFT, AlignGVGD) do not provide strong support for or against p athogenicity. In summary, the clinical significance of this variant cannot be de termined with certainty at this time.

Counsyl
Classification: Uncertain significance for Usher syndrome type 2A; Retinitis pigmentosa 39. Last evaluated: 2017-02-27. Review status: no assertion criteria provided. Collection method: clinical testing. Allele origin: unknown. Not counted in ClinVar's aggregate classification.

NM_206933.4(USH2A):c.2777G>A (p.Arg926His)

Genes: USH2A (usherin; minus strand), LOC122152296 (Sharpr-MPRA regulatory region 8762; plus strand). Cytogenetic location: 1q41.
Variant type: single nucleotide variant.
Coding change: c.2777G>A on transcript NM_206933.4 (MANE Select); coding-DNA position 2777, G replaced by A.
Protein change: p.Arg926His; replaces arginine 926 with histidine.
Molecular consequence: missense variant.
Genome position (GRCh38, 1-based): chr1:216,246,617, C>T on the plus strand (G>A on the coding strand, the complement: USH2A is on the minus strand). VCF-style: chr1-216246617-C-T. GRCh37 (hg19) VCF-style: chr1-216419959-C-T.
Other names: c.2777G>A, p.Arg926His (NM_007123.6); short protein forms R926H.
Identifiers: ClinVar variation 48491 (VCV000048491.18), dbSNP rs146916397, ClinGen allele CA143448.